The following is an entry in ClinVar:

ClinVar aggregate classification (germline): Uncertain significance (1 of 4 stars; one submission).

Conditions:
ALMS1-related disorder. Also called: ALMS1-related condition.

Submission:

PreventionGenetics, part of Exact Sciences
Classification: Uncertain significance for ALMS1-related condition. Last evaluated: 2025-04-29. Review status: criteria provided, single submitter. Criteria: ACMG Guidelines, 2015. Collection method: clinical testing. Allele origin: germline.
Comment: The ALMS1 c.7649G>A variant is predicted to result in the amino acid substitution p.Gly2550Glu. To our knowledge, this variant has not been reported in the literature or in a large population database (gnomAD), indicating this variant is rare. At this time, the clinical significance of this variant is uncertain due to the absence of conclusive functional and genetic evidence.

NM_001378454.1(ALMS1):c.7646G>A (p.Gly2549Asp)

Gene: ALMS1 (ALMS1 centrosome and basal body associated protein; plus strand). Cytogenetic location: 2p13.1.
Variant type: single nucleotide variant.
Coding change: c.7646G>A on transcript NM_001378454.1 (MANE Select); coding-DNA position 7646, G replaced by A.
Protein change: p.Gly2549Asp; replaces glycine 2549 with aspartic acid.
Molecular consequence: missense variant.
Genome position (GRCh38, 1-based): chr2:73,455,267, G>A. VCF-style: chr2-73455267-G-A. GRCh37 (hg19) VCF-style: chr2-73682394-G-A.
Other names: c.7649G>A, p.Gly2550Asp (NM_015120.4); short protein forms G2549D, G2550D.
Identifiers: ClinVar variation 4999124 (VCV004999124.1).